The following is an entry in ClinVar:

ClinVar aggregate classification (germline): Uncertain significance (1 of 4 stars; one submission).

Conditions:
Brachyolmia-amelogenesis imperfecta syndrome. Also called: PLATYSPONDYLY WITH AMELOGENESIS IMPERFECTA; Tooth agenesis, selective, 6; Dental anomalies and short stature. Identifiers: Orphanet 2899, MedGen C1832594, MONDO:0011018, OMIM 601216. Disease mechanism: loss of function.

gnomAD v4.1: 3 of 1,578,920 alleles (0.00019%); highest among the groups gnomAD compares: Non-Finnish European, 0.00026%; no homozygotes.

Submission:

Labcorp Genetics (formerly Invitae), Labcorp
Classification: Uncertain significance for Brachyolmia-amelogenesis imperfecta syndrome. Last evaluated: 2024-09-17. Review status: criteria provided, single submitter. Criteria: Invitae Variant Classification Sherloc (09022015). Collection method: clinical testing. Allele origin: germline.
Comment: This sequence change replaces glutamine, which is neutral and polar, with glutamic acid, which is acidic and polar, at codon 281 of the LTBP3 protein (p.Gln281Glu). This variant is not present in population databases (gnomAD no frequency). This variant has not been reported in the literature in individuals affected with LTBP3-related conditions. An algorithm developed to predict the effect of missense changes on protein structure and function (PolyPhen-2) suggests that this variant is likely to be tolerated. In summary, the available evidence is currently insufficient to determine the role of this variant in disease. Therefore, it has been classified as a Variant of Uncertain Significance.

NM_001130144.3(LTBP3):c.841C>G (p.Gln281Glu)

Gene: LTBP3 (latent transforming growth factor beta binding protein 3; minus strand). Cytogenetic location: 11q13.1.
Variant type: single nucleotide variant.
Coding change: c.841C>G on transcript NM_001130144.3 (MANE Select); coding-DNA position 841, C replaced by G.
Protein change: p.Gln281Glu; replaces glutamine 281 with glutamic acid.
Molecular consequence: missense variant.
Genome position (GRCh38, 1-based): chr11:65,553,724, G>C on the plus strand (C>G on the coding strand, the complement: LTBP3 is on the minus strand). VCF-style: chr11-65553724-G-C. GRCh37 (hg19) VCF-style: chr11-65321195-G-C.
Other names: c.490C>G, p.Gln164Glu (NM_001164266.1); c.841C>G, p.Gln281Glu (NM_021070.4); short protein forms Q164E, Q281E.
Identifiers: ClinVar variation 3701954 (VCV003701954.2).
Genomic context (GRCh38, chr11:65,553,724, plus strand): 5'-AGAAGGAAAGGCAGATCCCGACTGTGGATTCACTCACCGGCTGCTTGGGCAGAGTGTCCT[G>C]AAAGCAGCGGCCCAGGGGCTTCTGGGTGGGCGGCCGGGGGTGCGAGGGCTTGGGGTGCGG-3'
Protein context (NP_001123616.1, residues 271-291): PTQKPLGRCF[Gln281Glu]DTLPKQPCGS